The following is an entry in ClinVar:

ClinVar aggregate classification (germline): Uncertain significance (1 of 4 stars; one submission).

Allele frequency attached by ClinVar (database versions not stated): gnomAD exomes 0.00001.
gnomAD v4.1: 7 of 1,613,128 alleles (0.00043%); highest among the groups gnomAD compares: Non-Finnish European, 0.00059%; no homozygotes.

Submission:

Labcorp Genetics (formerly Invitae), Labcorp
Classification: Uncertain significance. Last evaluated: 2025-01-06. Review status: criteria provided, single submitter. Criteria: Invitae Variant Classification Sherloc (09022015). Collection method: clinical testing. Allele origin: germline.
Comment: This sequence change replaces valine, which is neutral and non-polar, with glutamic acid, which is acidic and polar, at codon 364 of the DOCK6 protein (p.Val364Glu). This variant is not present in population databases (gnomAD no frequency). This variant has not been reported in the literature in individuals affected with DOCK6-related conditions. ClinVar contains an entry for this variant (Variation ID: 2106607). Invitae Evidence Modeling of protein sequence and biophysical properties (such as structural, functional, and spatial information, amino acid conservation, physicochemical variation, residue mobility, and thermodynamic stability) indicates that this missense variant is not expected to disrupt DOCK6 protein function with a negative predictive value of 80%. In summary, the available evidence is currently insufficient to determine the role of this variant in disease. Therefore, it has been classified as a Variant of Uncertain Significance.

NM_020812.4(DOCK6):c.1091T>A (p.Val364Glu)

Gene: DOCK6 (dedicator of cytokinesis 6; minus strand). Cytogenetic location: 19p13.2.
Variant type: single nucleotide variant.
Coding change: c.1091T>A on transcript NM_020812.4 (MANE Select); coding-DNA position 1091, T replaced by A.
Protein change: p.Val364Glu; replaces valine 364 with glutamic acid.
Molecular consequence: missense variant.
Genome position (GRCh38, 1-based): chr19:11,243,815, A>T on the plus strand (T>A on the coding strand, the complement: DOCK6 is on the minus strand). VCF-style: chr19-11243815-A-T. GRCh37 (hg19) VCF-style: chr19-11354491-A-T.
Other names: c.1091T>A, p.Val364Glu (NM_001367830.1); short protein forms V364E.
Identifiers: ClinVar variation 2106607 (VCV002106607.4), dbSNP rs2513160759, ClinGen allele CA404110913.